The following is an entry in ClinVar:

NM_017780.4(CHD7):c.6629A>G (p.Glu2210Gly)

Gene: CHD7 (chromodomain helicase DNA binding protein 7; plus strand). Cytogenetic location: 8q12.2.
Variant type: single nucleotide variant.
Coding change: c.6629A>G on transcript NM_017780.4 (MANE Select); coding-DNA position 6629, A replaced by G.
Protein change: p.Glu2210Gly; replaces glutamic acid 2210 with glycine.
Molecular consequence: missense variant. On other transcripts: intron variant (1).
Genome position (GRCh38, 1-based): chr8:60,853,354, A>G. VCF-style: chr8-60853354-A-G. GRCh37 (hg19) VCF-style: chr8-61765913-A-G.
Other names: c.1717-8875A>G (NM_001316690.1); short protein forms E2210G.
Identifiers: ClinVar variation 1754551 (VCV001754551.2), dbSNP rs374331681, ClinGen allele CA177354186.

ClinVar aggregate classification (germline): Uncertain significance (1 of 4 stars; one submission).

Conditions:
Inborn genetic diseases. Identifiers: MedGen C0950123, MeSH D030342.

Allele frequency attached by ClinVar (database versions not stated): gnomAD 0.00002; TOPMed 0.00002; ESP Exome Variant Server 0.00008.

Submission:

Ambry Genetics
Classification: Uncertain significance for Inborn genetic diseases. Last evaluated: 2018-04-19. Review status: criteria provided, single submitter. Criteria: Ambry Variant Classification Scheme 2023. Collection method: clinical testing. Allele origin: germline.
Comment: The p.E2210G variant (also known as c.6629A>G), located in coding exon 30 of the CHD7 gene, results from an A to G substitution at nucleotide position 6629. The glutamic acid at codon 2210 is replaced by glycine, an amino acid with similar properties. This amino acid position is well conserved in available vertebrate species. In addition, this alteration is predicted to be tolerated by in silico analysis. Since supporting evidence is limited at this time, the clinical significance of this alteration remains unclear.